The following is an entry in ClinVar:

ClinVar aggregate classification (germline): Uncertain significance. Review status: criteria provided, single submitter (1 of 4 stars). 2 submissions from 2 submitters: Uncertain significance (1). 1 of the submissions does not count toward it. Last evaluated 2020-02-24.

Conditions:
Cardiovascular phenotype. Identifiers: MedGen CN230736.
Osteogenesis imperfecta with normal sclerae, dominant form (OI4). Also called: OSTEOGENESIS IMPERFECTA, TYPE IV, WITH DENTINOGENESIS IMPERFECTA; Osteogenesis Imperfecta Type IV; Common Variable Osteogenesis Imperfecta with Normal Sclerae; OSTEOGENESIS IMPERFECTA WITH NORMAL SCLERAE; Osteogenesis imperfecta type 4. Identifiers: Orphanet 216820, Orphanet 666, MedGen C0268363, MONDO:0008148, OMIM 166220.

Submissions (2):

Ambry Genetics
Classification: Uncertain significance for Cardiovascular phenotype. Last evaluated: 2020-02-24. Review status: criteria provided, single submitter. Criteria: Ambry Variant Classification Scheme 2023. Collection method: clinical testing. Allele origin: germline.
Comment: The p.G1030D variant (also known as c.3089G>A), located in coding exon 46 of the COL1A2 gene, results from a G to A substitution at nucleotide position 3089. The glycine at codon 1030 is replaced by aspartic acid, an amino acid with similar properties. The majority of pathogenic mutations identified to date in COL1A2 have involved the substitution of another amino acid for glycine within the triple-helical domain (Dagleish R. Nucleic Acids Res. 1997 Jan 1;25(1):181-7; Marini JC et al. Hum Mutat. 2007 Mar;28(3):209-21; Bardai G et al. Osteoporos Int 2016 Dec;27(12):3607-3613). An alternate amino acid substitution at this position, p.G1030A, was detected in a reportedly de novo osteogenesis imperfecta type III case (Lindahl K et al. Eur. J. Hum. Genet., 2015 Aug;23:1042-50; Malmgren B et al. Oral Dis, 2017 Jan;23:42-49; Andersson K et al. PLoS ONE, 2017 May;12:e0176466). Internal structural analysis indicates that this alteration disrupts the characteristic G-X-Y motif in the COL1A2 protein and inserts a bulky side chain into a sterically-constrained region (Bella J et al. Science. 1994;266:75-81; Hohenester E et al. Proc. Natl. Acad. Sci. U.S.A. 2008;105:18273-7; Ambry internal data). This amino acid position is highly conserved in available vertebrate species. In addition, this alteration is predicted to be deleterious by in silico analysis. Since supporting evidence is limited at this time, the clinical significance of this alteration remains unclear.

Institute of Human Genetics, Cologne University
Classification: Pathogenic for Osteogenesis imperfecta with normal sclerae, dominant form. Review status: no assertion criteria provided. Collection method: clinical testing. Allele origin: unknown. Inheritance: Autosomal dominant inheritance. Affected: yes. Observed: 1 variant allele, 1 heterozygote. Not counted in ClinVar's aggregate classification.

NM_000089.4(COL1A2):c.3089G>A (p.Gly1030Asp)

Gene: COL1A2 (collagen type I alpha 2 chain; plus strand). Cytogenetic location: 7q21.3.
Variant type: single nucleotide variant.
Coding change: c.3089G>A on transcript NM_000089.4 (MANE Select); coding-DNA position 3089, G replaced by A.
Protein change: p.Gly1030Asp; replaces glycine 1030 with aspartic acid.
Molecular consequence: missense variant.
Genome position (GRCh38, 1-based): chr7:94,426,514, G>A. VCF-style: chr7-94426514-G-A. GRCh37 (hg19) VCF-style: chr7-94055826-G-A.
Other names: short protein forms G1030D.
Identifiers: ClinVar variation 431081 (VCV000431081.3), dbSNP rs1114167415, ClinGen allele CA368225246.